The following is an entry in ClinVar:

NM_014363.6(SACS):c.2926C>T (p.Arg976Cys)

Gene: SACS (sacsin molecular chaperone; minus strand). Cytogenetic location: 13q12.12.
Variant type: single nucleotide variant.
Coding change: c.2926C>T on transcript NM_014363.6 (MANE Select); coding-DNA position 2926, C replaced by T.
Protein change: p.Arg976Cys; replaces arginine 976 with cysteine.
Molecular consequence: missense variant.
Genome position (GRCh38, 1-based): chr13:23,340,950, G>A on the plus strand (C>T on the coding strand, the complement: SACS is on the minus strand). VCF-style: chr13-23340950-G-A. GRCh37 (hg19) VCF-style: chr13-23915089-G-A.
Other names: c.2485C>T, p.Arg829Cys (NM_001278055.2); c.2926C>T (NM_014363.4); short protein forms R829C, R976C.
Identifiers: ClinVar variation 965266 (VCV000965266.9), dbSNP rs139993038, ClinGen allele CA6911591.

ClinVar aggregate classification (germline): Conflicting classifications of pathogenicity. Review status: criteria provided, conflicting classifications (1 of 4 stars). 4 submissions from 4 submitters: Uncertain significance (2); Benign (1). 1 of the submissions does not count toward it. Last evaluated 2026-07-13.

Conditions:
Spastic paraplegia. Identifiers: MedGen C0037772, HP:0001258.
SACS-related disorder. Also called: SACS-related condition.
Inborn genetic diseases. Identifiers: MedGen C0950123, MeSH D030342.
Charlevoix-Saguenay spastic ataxia (SACS). Also called: Spastic ataxia of Charlevoix-Saguenay; SPASTIC ATAXIA 6, AUTOSOMAL RECESSIVE; AUTOSOMAL RECESSIVE SPASTIC ATAXIA OF CHARLEVOIX-SAGUENAY. Identifiers: Orphanet 98, MedGen C1849140, MONDO:0010041, OMIM 270550.

Allele frequency attached by ClinVar (database versions not stated): TOPMed 0.00005; 1000 Genomes Project 30x 0.00016.
gnomAD v4.1: 67 of 1,613,992 alleles (0.0042%); highest among the groups gnomAD compares: African/African-American, 0.015%; no homozygotes.

Submissions (4):

PreventionGenetics, part of Exact Sciences
Classification: Uncertain significance for SACS-related condition. Last evaluated: 2026-07-13. Review status: criteria provided, single submitter. Criteria: ACMG Guidelines, 2015. Collection method: clinical testing. Allele origin: germline.
Comment: The SACS c.2926C>T variant is predicted to result in the amino acid substitution p.Arg976Cys. To our knowledge, this variant has not been reported in the literature. This variant is reported in 0.024% of alleles in individuals of African descent in gnomAD. At this time, the clinical significance of this variant is uncertain due to the absence of conclusive functional and genetic evidence.

Labcorp Genetics (formerly Invitae), Labcorp
Classification: Benign for Spastic paraplegia. Last evaluated: 2024-04-22. Review status: criteria provided, single submitter. Criteria: Invitae Variant Classification Sherloc (09022015). Collection method: clinical testing. Allele origin: germline.

Ambry Genetics
Classification: Uncertain significance for Inborn genetic diseases. Last evaluated: 2021-07-14. Review status: criteria provided, single submitter. Criteria: Ambry Variant Classification Scheme 2023. Collection method: clinical testing. Allele origin: germline.

Natera, Inc.
Classification: Uncertain significance for Charlevoix-Saguenay type spastic ataxia. Last evaluated: 2020-09-06. Review status: no assertion criteria provided. Collection method: clinical testing. Allele origin: germline. Not counted in ClinVar's aggregate classification.